The following is an entry in ClinVar:

NM_012243.3(SLC35A3):c.342+1G>A

Gene: SLC35A3 (solute carrier family 35 member A3; plus strand). Cytogenetic location: 1p21.2.
Variant type: single nucleotide variant.
Coding change: c.342+1G>A on transcript NM_012243.3 (MANE Select); the canonical splice donor site of the intron after coding-DNA position 342, G replaced by A.
Molecular consequence: splice donor variant.
Genome position (GRCh38, 1-based): chr1:99,999,416, G>A. VCF-style: chr1-99999416-G-A. GRCh37 (hg19) VCF-style: chr1-100464972-G-A.
Other names: c.342+1G>A (NM_001271684.2); c.468+1G>A (NM_001271685.2).
Identifiers: ClinVar variation 541613 (VCV000541613.9), dbSNP rs1553201582, ClinGen allele CA341326777.

ClinVar aggregate classification (germline): Likely pathogenic. Review status: criteria provided, multiple submitters, no conflicts (2 of 4 stars). 2 submissions from 2 submitters: Likely pathogenic (2). Last evaluated 2024-02-12.

Conditions:
SLC35A3-related disorder. Also called: SLC35A3-related condition.
Autism spectrum disorder - epilepsy - arthrogryposis syndrome (AMRS). Identifiers: Orphanet 370943, MedGen C3809910, MONDO:0014248, OMIM 615553.

Allele frequency attached by ClinVar (database versions not stated): gnomAD exomes below 0.00001.
gnomAD v4.1: 1 of 1,571,482 alleles (0.000064%); highest among the groups gnomAD compares: Non-Finnish European, 0.000086%; no homozygotes.

Submissions (2):

Labcorp Genetics (formerly Invitae), Labcorp
Classification: Likely pathogenic for Autism spectrum disorder - epilepsy - arthrogryposis syndrome. Last evaluated: 2024-02-12. Review status: criteria provided, single submitter. Criteria: Invitae Variant Classification Sherloc (09022015). Collection method: clinical testing. Allele origin: germline.
Comment: This sequence change affects a donor splice site in intron 3 of the SLC35A3 gene. It is expected to disrupt RNA splicing. Variants that disrupt the donor or acceptor splice site typically lead to a loss of protein function (PMID: 16199547), and loss-of-function variants in SLC35A3 are known to be pathogenic (PMID: 24031089, 28328131). This variant is not present in population databases (gnomAD no frequency). This variant has not been reported in the literature in individuals affected with SLC35A3-related conditions. ClinVar contains an entry for this variant (Variation ID: 541613). Algorithms developed to predict the effect of sequence changes on RNA splicing suggest that this variant may disrupt the consensus splice site. In summary, the currently available evidence indicates that the variant is pathogenic, but additional data are needed to prove that conclusively. Therefore, this variant has been classified as Likely Pathogenic.

Blueprint Genetics
Classification: Likely pathogenic for SLC35A3-related disorders. Last evaluated: 2021-03-29. Review status: criteria provided, single submitter. Criteria: ACMG Guidelines, 2015. Collection method: clinical testing. Allele origin: germline. Affected: yes. Observed: 1 variant allele.

Literature cited by the submitters: PubMed 16199547 (cited by Labcorp Genetics (formerly Invitae), Labcorp); PubMed 24031089 (cited by Labcorp Genetics (formerly Invitae), Labcorp); PubMed 28328131 (cited by Labcorp Genetics (formerly Invitae), Labcorp).